The following is an entry in ClinVar:

NM_015374.3(SUN2):c.1579-16G>A

Genes: GTPBP1 (GTP binding protein 1; plus strand), SUN2 (Sad1 and UNC84 domain containing 2; minus strand). Cytogenetic location: 22q13.1.
Variant type: single nucleotide variant.
Coding change: c.1579-16G>A on transcript NM_015374.3 (MANE Select); 16 bases into the intron before coding-DNA position 1579, G replaced by A.
Molecular consequence: intron variant.
Genome position (GRCh38, 1-based): chr22:38,739,442, C>T on the plus strand (G>A on the coding strand, the complement: SUN2 is on the minus strand). VCF-style: chr22-38739442-C-T. GRCh37 (hg19) VCF-style: chr22-39135447-C-T.
Other names: c.1087-16G>A (NM_001394443.1); c.1489-16G>A (NM_001394438.1); c.1441-16G>A (NM_001394439.1, NM_001394441.1, NM_001394440.1); c.1003-16G>A (NM_001394444.1, NM_001394445.1); c.1180-16G>A (NM_001394442.1); c.1579-19G>A (NM_001394437.1, NM_001394436.1); c.1672-16G>A (NM_001394427.1); c.1642-16G>A (NM_001199579.2, NM_001394428.1); and 2 more.
Identifiers: ClinVar variation 2169676 (VCV002169676.4), dbSNP rs1452088970, ClinGen allele CA639396983.
Genomic context (GRCh38, chr22:38,739,442, plus strand): 5'-CTCACTGTAGCGCTGCAGGGCCTGCTTCACGATGTGGTGCACCTGCTGCAATGCAGGCAC[C>T]AGGAGACGGTTGCAGCAGGGAGCAGACGTGTCCCCCTGTCACCTCGTGGCCGTGGGCCAA-3'

ClinVar aggregate classification (germline): Uncertain significance (1 of 4 stars; one submission).

Conditions:
Emery-Dreifuss muscular dystrophy (EDMD). Also called: Scapuloperoneal syndrome, X-linked (formerly); Humeroperoneal neuromuscular disease, (formerly). Identifiers: Orphanet 261, MedGen C0410189, MONDO:0016830.

Allele frequency attached by ClinVar (database versions not stated): gnomAD exomes below 0.00001.
gnomAD v4.1: 2 of 1,612,562 alleles (0.00012%); highest among the groups gnomAD compares: Admixed American, 0.0017%; no homozygotes.

Submission:

Labcorp Genetics (formerly Invitae), Labcorp
Classification: Uncertain significance for Emery-Dreifuss muscular dystrophy. Last evaluated: 2022-07-03. Review status: criteria provided, single submitter. Criteria: Invitae Variant Classification Sherloc (09022015). Collection method: clinical testing. Allele origin: germline.
Comment: In summary, the available evidence is currently insufficient to determine the role of this variant in disease. Therefore, it has been classified as a Variant of Uncertain Significance. Algorithms developed to predict the effect of sequence changes on RNA splicing suggest that this variant may create or strengthen a splice site. This variant has not been reported in the literature in individuals affected with SUN2-related conditions. This variant is present in population databases (no rsID available, gnomAD no frequency). This sequence change falls in intron 13 of the SUN2 gene. It does not directly change the encoded amino acid sequence of the SUN2 protein.